The following is an entry in ClinVar:

NM_020458.4(TTC7A):c.1016A>G (p.Lys339Arg)

Gene: TTC7A (tetratricopeptide repeat domain 7A; plus strand). Cytogenetic location: 2p21.
Variant type: single nucleotide variant.
Coding change: c.1016A>G on transcript NM_020458.4 (MANE Select); coding-DNA position 1016, A replaced by G.
Protein change: p.Lys339Arg; replaces lysine 339 with arginine.
Molecular consequence: missense variant. On other transcripts: 5 prime UTR variant (1).
Genome position (GRCh38, 1-based): chr2:46,995,150, A>G. VCF-style: chr2-46995150-A-G. GRCh37 (hg19) VCF-style: chr2-47222289-A-G.
Other names: c.1016A>G, p.Lys339Arg (LRG_1323t1, NM_001288951.2); c.914A>G, p.Lys305Arg (NM_001288953.2); c.-47A>G (NM_001288955.2); short protein forms K305R, K339R.
Identifiers: ClinVar variation 391836 (VCV000391836.10), dbSNP rs777088531, ClinGen allele CA1647453.

ClinVar aggregate classification (germline): Uncertain significance. Review status: criteria provided, multiple submitters, no conflicts (2 of 4 stars). 2 submissions from 2 submitters: Uncertain significance (2). Last evaluated 2024-10-16.

Conditions:
Multiple gastrointestinal atresias. Also called: FAMILIAL INTESTINAL POLYATRESIA SYNDROME; Multiple intestinal atresia. Identifiers: Orphanet 2300, MedGen C0220744, MONDO:0009465.

Allele frequency attached by ClinVar (database versions not stated): gnomAD 0.00002; TOPMed 0.00003; gnomAD exomes 0.00004 and 0.00005; ExAC 0.00007.
gnomAD v4.1: 56 of 1,614,052 alleles (0.0035%); highest among the groups gnomAD compares: Admixed American, 0.005%; no homozygotes.

Submissions (2):

Labcorp Genetics (formerly Invitae), Labcorp
Classification: Uncertain significance for Multiple gastrointestinal atresias. Last evaluated: 2024-10-16. Review status: criteria provided, single submitter. Criteria: Invitae Variant Classification Sherloc (09022015). Collection method: clinical testing. Allele origin: germline.
Comment: This sequence change replaces lysine, which is basic and polar, with arginine, which is basic and polar, at codon 339 of the TTC7A protein (p.Lys339Arg). This variant is present in population databases (rs777088531, gnomAD 0.009%). This variant has not been reported in the literature in individuals affected with TTC7A-related conditions. ClinVar contains an entry for this variant (Variation ID: 391836). Invitae Evidence Modeling of protein sequence and biophysical properties (such as structural, functional, and spatial information, amino acid conservation, physicochemical variation, residue mobility, and thermodynamic stability) indicates that this missense variant is not expected to disrupt TTC7A protein function with a negative predictive value of 80%. In summary, the available evidence is currently insufficient to determine the role of this variant in disease. Therefore, it has been classified as a Variant of Uncertain Significance.

GeneDx
Classification: Uncertain significance. Last evaluated: 2017-01-05. Review status: criteria provided, single submitter. Criteria: GeneDx Variant Classification (06012015). Collection method: clinical testing. Allele origin: germline. Affected: yes.
Comment: The K339R variant in the TTC7A gene has not been reported previously as a pathogenic variant, nor as a benign variant, to our knowledge. The K339R variant was not observed in approximately 6500 individuals of European and African American ancestry in the NHLBI Exome Sequencing Project, indicating it is not a common benign variant in these populations. The K339R variant is a conservative amino acid substitution, which is not likely to impact secondary protein structure as these residues share similar properties. However, this substitution occurs at a position that is conserved across mammalian species, and in silico analysis is inconsistent in its predictions as to whether or not the variant is damaging to the protein structure/function. As an alternate mechanism, multiple in silico algorithms predict that c.1016 A>G (aka K339R) might create a cryptic splice acceptor site for intron 7 which may supplant the natural acceptor site. However, in the absence of RNA/functional studies, the actual effect of c.1016 A>G in this individual is unknown. We interpret K339R as a variant of uncertain significance.